The following is an entry in ClinVar:

NM_007294.4(BRCA1):c.4997A>T (p.Tyr1666Phe)

Gene: BRCA1 (BRCA1 DNA repair associated; minus strand). Cytogenetic location: 17q21.31.
Variant type: single nucleotide variant.
Coding change: c.4997A>T on transcript NM_007294.4 (MANE Select); coding-DNA position 4997, A replaced by T.
Protein change: p.Tyr1666Phe; replaces tyrosine 1666 with phenylalanine.
Molecular consequence: missense variant. On other transcripts: non-coding transcript variant (1).
Genome position (GRCh38, 1-based): chr17:43,067,685, T>A on the plus strand (A>T on the coding strand, the complement: BRCA1 is on the minus strand). VCF-style: chr17-43067685-T-A. GRCh37 (hg19) VCF-style: chr17-41219702-T-A.
Other names: c.4850A>T, p.Tyr1617Phe (NM_001407849.1, NM_001407850.1, NM_001407851.1 and 12 more transcripts); c.4997A>T, p.Tyr1666Phe (NM_001407854.1, NM_001407593.1, NM_001407594.1 and 8 more transcripts); c.4994A>T, p.Tyr1665Phe (NM_001407858.1, NM_001407859.1, NM_001407619.1 and 17 more transcripts); c.4787A>T, p.Tyr1596Phe (NM_001407885.1, NM_001407886.1, NM_001407887.1 and 5 more transcripts); c.4784A>T, p.Tyr1595Phe (NM_001407894.1, NM_001407895.1, NM_001407896.1 and 12 more transcripts); c.4781A>T, p.Tyr1594Phe (NM_001407916.1, NM_001407917.1, NM_001407918.1 and 1 more transcripts); c.4874A>T, p.Tyr1625Phe (NM_001407919.1, NM_001407937.1, NM_001407938.1 and 6 more transcripts); c.4733A>T, p.Tyr1578Phe (NM_001407920.1, NM_001407921.1, NM_001407922.1 and 4 more transcripts); and 70 more; short protein forms Y1666F, Y1687F, Y562F, Y1619F, Y1537F, Y1538F, Y1554F, Y1599F.
Identifiers: ClinVar variation 865515 (VCV000865515.6), dbSNP rs397509216, ClinGen allele CA10591525.
Genomic context (GRCh38, chr17:43,067,685, plus strand): 5'-TGAGTAGTCTCTTCAGTAATTAGATTAGTTAAAGTGATGTGGTGTTTTCTGGCAAACTTG[T>A]ACACGAGCATCTGAAATTAAATCAAATATTCCATTATCATGAGTTACCTCTAGCACACAG-3'
Protein context (NP_009225.1, residues 1656-1676): GLTPEEFMLV[Tyr1666Phe]KFARKHHITL

ClinVar aggregate classification (germline): Uncertain significance (1 of 4 stars; one submission).

Conditions:
Hereditary breast ovarian cancer syndrome. Also called: Hereditary breast and/or ovarian cancer syndrome; BRCA1- and BRCA2-Associated Hereditary Breast and Ovarian Cancer; Hereditary breast and ovarian cancer syndrome; Hereditary breast and ovarian cancer; Hereditary breast and ovarian cancer syndrome (HBOC); Breast and ovarian cancer. Identifiers: Orphanet 145, MedGen C0677776, MeSH D061325, MONDO:0003582. Disease mechanism: loss of function.

Submissions (2):

Labcorp Genetics (formerly Invitae), Labcorp
Classification: Uncertain significance for Hereditary breast ovarian cancer syndrome. Last evaluated: 2022-12-15. Review status: criteria provided, single submitter. Criteria: Invitae Variant Classification Sherloc (09022015). Collection method: clinical testing. Allele origin: germline.
Comment: This sequence change replaces tyrosine, which is neutral and polar, with phenylalanine, which is neutral and non-polar, at codon 1666 of the BRCA1 protein (p.Tyr1666Phe). This variant is not present in population databases (gnomAD no frequency). This variant has not been reported in the literature in individuals affected with BRCA1-related conditions. ClinVar contains an entry for this variant (Variation ID: 865515). Advanced modeling performed at Invitae incorporating data from internal and/or published experimental studies (PMID: 30209399) indicates that this missense variant is not expected to disrupt BRCA1 function. In summary, the available evidence is currently insufficient to determine the role of this variant in disease. Therefore, it has been classified as a Variant of Uncertain Significance.

Brotman Baty Institute, University of Washington
No classification provided (evidence only). Condition: Breast-ovarian cancer, familial 1. Review status: no classification provided. Collection method: in vitro. Allele origin: not applicable. Functional consequence: functionally_normal. Not counted in ClinVar's aggregate classification.
ClinVar note: "not provided" was previously submitted as the classification for the variant. However, the classification appeared to be based only on an observation of functional data so it was converted to no classification on 2025-07-30.

Literature cited by the submitters: PubMed 30209399 (cited by Labcorp Genetics (formerly Invitae), Labcorp).